The following is an entry in ClinVar:

NM_001387777.1(TNS1):c.3754G>A (p.Asp1252Asn)

Gene: TNS1 (tensin 1; minus strand). Cytogenetic location: 2q35.
Variant type: single nucleotide variant.
Coding change: c.3754G>A on transcript NM_001387777.1 (MANE Select); coding-DNA position 3754, G replaced by A.
Protein change: p.Asp1252Asn; replaces aspartic acid 1252 with asparagine.
Molecular consequence: missense variant.
Genome position (GRCh38, 1-based): chr2:217,818,578, C>T on the plus strand (G>A on the coding strand, the complement: TNS1 is on the minus strand). VCF-style: chr2-217818578-C-T. GRCh37 (hg19) VCF-style: chr2-218683301-C-T.
Other names: c.3403G>A, p.Asp1135Asn (NM_001308022.2); c.3379G>A, p.Asp1127Asn (NM_001308023.2); c.3442G>A, p.Asp1148Asn (NM_022648.7); short protein forms D1127N, D1135N, D1148N, D1252N.
Identifiers: ClinVar variation 3053065 (VCV003053065.2), dbSNP rs184451758, ClinGen allele CA2099796.

ClinVar aggregate classification (germline): Likely benign (0 of 4 stars; one submission).

Conditions:
TNS1-related disorder. Also called: TNS1-related condition.

Allele frequency attached by ClinVar (database versions not stated): ESP Exome Variant Server 0.00008; gnomAD exomes 0.00021; gnomAD 0.00027; TOPMed 0.00042; ExAC 0.00062; 1000 Genomes Project 30x 0.00094; 1000 Genomes Project 0.00120.
gnomAD v4.1: 358 of 1,614,180 alleles (0.022%); highest among the groups gnomAD compares: East Asian, 0.66%; no homozygotes.

Submission:

PreventionGenetics, part of Exact Sciences
Classification: Likely benign for TNS1-related condition. Last evaluated: 2019-08-30. Review status: no assertion criteria provided. Collection method: clinical testing. Allele origin: germline.
Comment: This variant is classified as likely benign based on ACMG/AMP sequence variant interpretation guidelines (Richards et al. 2015 PMID: 25741868, with internal and published modifications).